The following is an entry in ClinVar:

ClinVar aggregate classification (germline): Uncertain significance (1 of 4 stars; one submission).

gnomAD v4.1: 3 of 1,614,164 alleles (0.00019%); highest among the groups gnomAD compares: Admixed American, 0.0033%; no homozygotes.

Submission:

GeneDx
Classification: Uncertain significance. Last evaluated: 2024-03-28. Review status: criteria provided, single submitter. Criteria: GeneDx Variant Classification Process June 2021. Collection method: clinical testing. Allele origin: germline. Affected: yes.
Comment: Not observed at significant frequency in large population cohorts (gnomAD); In silico analysis supports that this missense variant does not alter protein structure/function; Has not been previously published as pathogenic or benign to our knowledge

NM_138694.4(PKHD1):c.2017G>T (p.Asp673Tyr)

Gene: PKHD1 (PKHD1 ciliary IPT domain containing fibrocystin/polyductin; minus strand). Cytogenetic location: 6p12.2.
Variant type: single nucleotide variant.
Coding change: c.2017G>T on transcript NM_138694.4 (MANE Select); coding-DNA position 2017, G replaced by T.
Protein change: p.Asp673Tyr; replaces aspartic acid 673 with tyrosine.
Molecular consequence: missense variant.
Genome position (GRCh38, 1-based): chr6:52,053,199, C>A on the plus strand (G>T on the coding strand, the complement: PKHD1 is on the minus strand). VCF-style: chr6-52053199-C-A. GRCh37 (hg19) VCF-style: chr6-51917997-C-A.
Other names: c.2017G>T, p.Asp673Tyr (NM_170724.3); short protein forms D673Y.
Identifiers: ClinVar variation 3371545 (VCV003371545.1).
Genomic context (GRCh38, chr6:52,053,199, plus strand): 5'-GAGGGAGAAGGTTGATCTGATGAACCAGCACTGGGGAGTTTGCCGGAGGGGGCTGGAGAT[C>A]CCCGAAGCAACGCACACAAGTCTCCCAGAGGTCAGTGCAATCGAACTGCCAGCTGAAAAA-3'
Protein context (NP_619639.3, residues 663-683): LWETCVRCFG[Asp673Tyr]LQPPPANSPV